The following is an entry in ClinVar:

ClinVar aggregate classification (germline): Uncertain significance/Uncertain risk allele. Review status: criteria provided, multiple submitters, no conflicts (2 of 4 stars). 2 submissions from 2 submitters: Uncertain significance (1); Uncertain risk allele (1). Last evaluated 2017-02-01.

Conditions:
Wolfram syndrome 1 (WFS1). Identifiers: Orphanet 3463, MedGen C4551693, MONDO:0009101, OMIM 222300.

Allele frequency attached by ClinVar (database versions not stated): gnomAD exomes below 0.00001.
gnomAD v4.1: 1 of 1,614,096 alleles (0.000062%); highest among the groups gnomAD compares: South Asian, 0.0011%; no homozygotes.

Submissions (2):

CeGaT Center for Human Genetics Tuebingen
Classification: Uncertain significance. Last evaluated: 2017-02-01. Review status: criteria provided, single submitter. Criteria: CeGaT Center For Human Genetics Tuebingen Variant Classification Criteria Version 2. Collection method: clinical testing. Allele origin: germline. Affected: yes. Observed: 1 variant allele.

Clinical Genomics, Uppaluri K&H Personalized Medicine Clinic
Classification: Uncertain risk allele for Wolfram syndrome 1. Review status: criteria provided, single submitter. Criteria: K & H Uppaluri Personalized Medicine Clinic Variant Classification & Assertion Criteria_Updated V.1. Collection method: research. Allele origin: unknown. Inheritance: Autosomal recessive inheritance.
Comment: Potent mutations in WFS1 gene are associated with Wolfram's syndrome, an autosomal recessive condition, which cause diabetes mellitus, diabetes insipidus, deafness and optic atrophy. However no sufficient evidence is found to ascertain the role of this particular variant rs1553878280 in Wolfram's syndrome yet.

Literature cited by the submitters: PubMed 20738327 (cited by Clinical Genomics, Uppaluri K&H Personalized Medicine Clinic); PubMed 33879153 (cited by Clinical Genomics, Uppaluri K&H Personalized Medicine Clinic); PubMed 12955714 (cited by Clinical Genomics, Uppaluri K&H Personalized Medicine Clinic); PubMed 18060660 (cited by Clinical Genomics, Uppaluri K&H Personalized Medicine Clinic); PubMed 20301750 (cited by Clinical Genomics, Uppaluri K&H Personalized Medicine Clinic); PubMed 17603484 (cited by Clinical Genomics, Uppaluri K&H Personalized Medicine Clinic).

NM_006005.3(WFS1):c.958C>T (p.Pro320Ser)

Gene: WFS1 (wolframin ER transmembrane glycoprotein; plus strand). Cytogenetic location: 4p16.1.
Variant type: single nucleotide variant.
Coding change: c.958C>T on transcript NM_006005.3 (MANE Select); coding-DNA position 958, C replaced by T.
Protein change: p.Pro320Ser; replaces proline 320 with serine.
Molecular consequence: missense variant.
Genome position (GRCh38, 1-based): chr4:6,300,753, C>T. VCF-style: chr4-6300753-C-T. GRCh37 (hg19) VCF-style: chr4-6302480-C-T.
Other names: c.958C>T, p.Pro320Ser (NM_001145853.1); short protein forms P320S.
Identifiers: ClinVar variation 444629 (VCV000444629.44), dbSNP rs1553878280, ClinGen allele CA356173963.
Genomic context (GRCh38, chr4:6,300,753, plus strand): 5'-AAGGAGTACCTGATTGACATGGCCTCCAGGGCAGGCATGCACTGGCTGTCCACCATCATC[C>T]CCACGCACCACATCAACGCGCTCATCTTCTTCTTCATCGTCAGCAACCTCACCATCGACT-3'
Protein context (NP_005996.2, residues 310-330): AGMHWLSTII[Pro320Ser]THHINALIFF